The following is an entry in ClinVar:

ClinVar aggregate classification (germline): Uncertain significance. Review status: criteria provided, multiple submitters, no conflicts (2 of 4 stars). 2 submissions from 2 submitters: Uncertain significance (2). Last evaluated 2024-03-25.

Conditions:
Inborn genetic diseases. Identifiers: MedGen C0950123, MeSH D030342.
Neuronal ceroid lipofuscinosis 1 (CLN1). Also called: CEROID LIPOFUSCINOSIS, NEURONAL, 1, VARIABLE AGE AT ONSET; PPT1-Related Neuronal Ceroid-Lipofuscinosis. Identifiers: Orphanet 228329, MedGen C1850451, MONDO:0009744, OMIM 256730.

Allele frequency attached by ClinVar (database versions not stated): gnomAD 0.00001; gnomAD exomes 0.00001; TOPMed 0.00002.
gnomAD v4.1: 4 of 1,614,010 alleles (0.00025%); highest among the groups gnomAD compares: African/African-American, 0.0013%; no homozygotes.

Submissions (2):

Ambry Genetics
Classification: Uncertain significance for Inborn genetic diseases. Last evaluated: 2024-03-25. Review status: criteria provided, single submitter. Criteria: Ambry Variant Classification Scheme 2023. Collection method: clinical testing. Allele origin: germline.

Labcorp Genetics (formerly Invitae), Labcorp
Classification: Uncertain significance for Neuronal ceroid lipofuscinosis 1. Last evaluated: 2021-10-22. Review status: criteria provided, single submitter. Criteria: Invitae Variant Classification Sherloc (09022015). Collection method: clinical testing. Allele origin: germline.
Comment: This sequence change replaces alanine with valine at codon 277 of the PPT1 protein (p.Ala277Val). The alanine residue is moderately conserved and there is a small physicochemical difference between alanine and valine. This variant is not present in population databases (ExAC no frequency). This variant has not been reported in the literature in individuals affected with PPT1-related conditions. Algorithms developed to predict the effect of missense changes on protein structure and function are either unavailable or do not agree on the potential impact of this missense change (SIFT: "Deleterious"; PolyPhen-2: "Benign"; Align-GVGD: "Class C0"). Algorithms developed to predict the effect of sequence changes on RNA splicing suggest that this variant may create or strengthen a splice site. In summary, the available evidence is currently insufficient to determine the role of this variant in disease. Therefore, it has been classified as a Variant of Uncertain Significance.

NM_000310.4(PPT1):c.830C>T (p.Ala277Val)

Gene: PPT1 (palmitoyl-protein thioesterase 1; minus strand). Cytogenetic location: 1p34.2.
Variant type: single nucleotide variant.
Coding change: c.830C>T on transcript NM_000310.4 (MANE Select); coding-DNA position 830, C replaced by T.
Protein change: p.Ala277Val; replaces alanine 277 with valine.
Molecular consequence: missense variant.
Genome position (GRCh38, 1-based): chr1:40,074,152, G>A on the plus strand (C>T on the coding strand, the complement: PPT1 is on the minus strand). VCF-style: chr1-40074152-G-A. GRCh37 (hg19) VCF-style: chr1-40539824-G-A.
Other names: c.521C>T, p.Ala174Val (NM_001142604.2); c.758C>T, p.Ala253Val (NM_001363695.2); c.830C>T (NM_000310.3); short protein forms A174V, A277V, A253V.
Identifiers: ClinVar variation 1404308 (VCV001404308.4), dbSNP rs1447656117, ClinGen allele CA339845684.